The following is an entry in ClinVar:

NM_000552.5(VWF):c.6768G>C (p.Gln2256His)

Gene: VWF (von Willebrand factor; minus strand). Cytogenetic location: 12p13.31.
Variant type: single nucleotide variant.
Coding change: c.6768G>C on transcript NM_000552.5 (MANE Select); coding-DNA position 6768, G replaced by C.
Protein change: p.Gln2256His; replaces glutamine 2256 with histidine.
Molecular consequence: missense variant.
Genome position (GRCh38, 1-based): chr12:5,991,849, C>G on the plus strand (G>C on the coding strand, the complement: VWF is on the minus strand). VCF-style: chr12-5991849-C-G. GRCh37 (hg19) VCF-style: chr12-6101015-C-G.
Other names: c.6768G>C (NM_000552.4); short protein forms Q2256H.
Identifiers: ClinVar variation 2215813 (VCV002215813.6), dbSNP rs200300292, ClinGen allele CA6401918.

ClinVar aggregate classification (germline): Uncertain significance. Review status: criteria provided, multiple submitters, no conflicts (2 of 4 stars). 4 submissions from 4 submitters: Uncertain significance (4). Last evaluated 2025-09-09.

Conditions:
Inborn genetic diseases. Identifiers: MedGen C0950123, MeSH D030342.
von Willebrand disease type 1 (VWD1). Also called: VWD, TYPE 1; VON WILLEBRAND DISEASE, TYPE I. Identifiers: Orphanet 166078, Orphanet 903, MedGen C1264039, MONDO:0008668, OMIM 193400. Inheritance: autosomal recessive or autosomal dominant.

Allele frequency attached by ClinVar (database versions not stated): ExAC 0.00002; gnomAD 0.00004; gnomAD exomes 0.00007; TOPMed 0.00007; 1000 Genomes Project 0.00020; 1000 Genomes Project 30x 0.00047.
gnomAD v4.1: 111 of 1,614,236 alleles (0.0069%); highest among the groups gnomAD compares: Non-Finnish European, 0.0091%; no homozygotes.

Submissions (4):

Ambry Genetics
Classification: Uncertain significance for Inborn genetic diseases. Last evaluated: 2025-09-09. Review status: criteria provided, single submitter. Criteria: Ambry Variant Classification Scheme 2023. Collection method: clinical testing. Allele origin: germline.

ARUP Laboratories, Molecular Genetics and Genomics, ARUP Laboratories
Classification: Uncertain significance. Last evaluated: 2025-07-02. Review status: criteria provided, single submitter. Criteria: ARUP Molecular Germline Variant Investigation Process 2024. Collection method: clinical testing. Allele origin: germline.
Comment: The VWF c.6768G>C; p.Gln2256His variant (rs200300292, ClinVar Variation ID: 2215813) is reported in the literature in an individual affected with von Willebrand disease type 1 (Krahforst 2024). This variant is found in the non-Finnish European population with an allele frequency of 0.005% (7/129,148 alleles) in the Genome Aggregation Database (v2.1.1). Computational analyses are uncertain whether this variant is neutral or deleterious (REVEL: 0.255). Due to limited information, the clinical significance of this variant is uncertain at this time. References: Krahforst A et al. Unravelling the spectrum of von Willebrand factor variants in quantitative von Willebrand disease: results from a German cohort study. J Thromb Haemost. 2024 Nov;22(11):3010-3034. PMID: 39002731.

Quest Diagnostics Nichols Institute San Juan Capistrano
Classification: Uncertain significance. Last evaluated: 2024-09-02. Review status: criteria provided, single submitter. Criteria: Quest Diagnostics criteria. Collection method: clinical testing. Allele origin: unknown.
Comment: The VWF c.6768G>C (p.Gln2256His) variant has not been reported in individuals with VWF-related conditions in the published literature. The frequency of this variant in the general population, 0.000054 (7/129148 chromosomes (Genome Aggregation Database)), is uninformative in the assessment of its pathogenicity. Analysis of this variant using bioinformatics tools for the prediction of the effect of amino acid changes on protein structure and function yielded predictions that this variant is damaging. Based on the available information, we are unable to determine the clinical significance of this variant.

ISTH-SSC Genomics in Thrombosis and Hemostasis, KU Leuven, Center for Molecular and Vascular Biology
Classification: Uncertain significance for von Willebrand disease type 1. Review status: criteria provided, single submitter. Criteria: ACMG Guidelines, 2015. Collection method: clinical testing. Allele origin: germline. Affected: yes. Observed: 1 heterozygote.
Comment: Submitted to the GoldVariant database by Kathleen Freson, Center for Molecular and Vascular Biology